The following is an entry in ClinVar:

ClinVar aggregate classification (germline): Benign/Likely benign. Review status: criteria provided, multiple submitters, no conflicts (2 of 4 stars). 8 submissions from 8 submitters: Benign (4); Likely benign (4). Last evaluated 2026-09-01.

Conditions:
Aicardi-Goutieres syndrome 6 (AGS6). Identifiers: Orphanet 51, MedGen C3539013, MONDO:0014007, OMIM 615010.
Symmetrical dyschromatosis of extremities (DSH). Also called: DYSCHROMATOSIS SYMMETRICA HEREDITARIA 1; Dyschromatosis symmetrica hereditaria; RETICULATE ACROPIGMENTATION OF DOHI; SYMMETRIC DYSCHROMATOSIS OF THE EXTREMITIES. Identifiers: Orphanet 41, MedGen C0406775, MONDO:0007483, OMIM 127400.

Allele frequency attached by ClinVar (database versions not stated): gnomAD 0.00008 and 0.00009; TOPMed 0.00020; ExAC 0.00041.
gnomAD v4.1: 136 of 1,614,056 alleles (0.0084%); highest among the groups gnomAD compares: Admixed American, 0.22%; no homozygotes.

Submissions (8):

CeGaT Center for Human Genetics Tuebingen
Classification: Likely benign. Last evaluated: 2026-09-01. Review status: criteria provided, single submitter. Criteria: CeGaT Center For Human Genetics Tuebingen Variant Classification Criteria Version 2. Collection method: clinical testing. Allele origin: germline. Affected: yes. Observed: 6 variant alleles.
Comment: ADAR: BP4, BP7

Labcorp Genetics (formerly Invitae), Labcorp
Classification: Benign for Aicardi-Goutieres syndrome 6; Symmetrical dyschromatosis of extremities. Last evaluated: 2026-01-21. Review status: criteria provided, single submitter. Criteria: Invitae Variant Classification Sherloc (09022015). Collection method: clinical testing. Allele origin: germline.

Mayo Clinic Laboratories, Mayo Clinic
Classification: Likely benign. Last evaluated: 2025-05-06. Review status: criteria provided, single submitter. Criteria: ACMG Guidelines, 2015. Collection method: clinical testing. Allele origin: germline. Observed: 2 variant alleles.
Comment: BS1, BP4, BP7

Women's Health and Genetics/Laboratory Corporation of America, LabCorp
Classification: Likely benign. Last evaluated: 2024-12-09. Review status: criteria provided, single submitter. Criteria: LabCorp Variant Classification Summary - May 2015. Collection method: clinical testing. Allele origin: germline.

Genome-Nilou Lab
Classification: Benign for Aicardi-Goutieres syndrome 6. Last evaluated: 2023-04-11. Review status: criteria provided, single submitter. Criteria: ACMG Guidelines, 2015. Collection method: clinical testing. Allele origin: germline. Affected: no.

Blueprint Genetics
Classification: Likely benign. Last evaluated: 2021-02-26. Review status: criteria provided, single submitter. Criteria: ACMG Guidelines, 2015. Collection method: clinical testing. Allele origin: germline.

Illumina Laboratory Services, Illumina
Classification: Benign for Symmetrical dyschromatosis of extremities. Last evaluated: 2018-01-12. Review status: criteria provided, single submitter. Criteria: ICSL Variant Classification Criteria 13 December 2019. Collection method: clinical testing. Allele origin: germline.
Comment: This variant was observed in the ICSL laboratory as part of a predisposition screen in an ostensibly healthy population. It had not been previously curated by ICSL or reported in the Human Gene Mutation Database (HGMD: prior to June 1st, 2018), and was therefore a candidate for classification through an automated scoring system. Utilizing variant allele frequency, disease prevalence and penetrance estimates, and inheritance mode, an automated score was calculated to assess if this variant is too frequent to cause the disease. Based on the score and internal cut-off values, a variant classified as benign is not then subjected to further curation. The score for this variant resulted in a classification of benign for this disease.

Breakthrough Genomics
Classification: Benign. Review status: criteria provided, single submitter. Criteria: ACMG Guidelines, 2015. Collection method: not provided. Allele origin: germline. Inheritance: Autosomal recessive inheritance. Affected: yes.

NM_001111.5(ADAR):c.1851C>A (p.Thr617=)

Gene: ADAR (adenosine deaminase RNA specific; minus strand). Cytogenetic location: 1q21.3.
Variant type: single nucleotide variant.
Coding change: c.1851C>A on transcript NM_001111.5 (MANE Select); coding-DNA position 1851, C replaced by A.
Protein change: p.Thr617=; no amino-acid change (threonine 617 retained).
Molecular consequence: synonymous variant.
Genome position (GRCh38, 1-based): chr1:154,597,911, G>T on the plus strand (C>A on the coding strand, the complement: ADAR is on the minus strand). VCF-style: chr1-154597911-G-T. GRCh37 (hg19) VCF-style: chr1-154570387-G-T.
Other names: p.Thr617=; c.966C>A, p.Thr322= (NM_001025107.3, NM_001193495.2, NM_001365046.1 and 3 more transcripts); c.1878C>A, p.Thr626= (NM_001365045.1); c.1851C>A, p.Thr617= (NM_015840.4, NM_015841.4, LRG_1212t1).
Identifiers: ClinVar variation 292773 (VCV000292773.25), dbSNP rs764879657, ClinGen allele CA1131443.